The following is an entry in ClinVar:

NM_000321.3(RB1):c.320_336del (p.Ala107fs)

Gene: RB1 (RB transcriptional corepressor 1; plus strand). Cytogenetic location: 13q14.2.
Variant type: Deletion.
Coding change: c.320_336del on transcript NM_000321.3 (MANE Select); coding-DNA positions 320 to 336, 17 bases deleted (CAGTTGACCTAGATGAG).
Protein change: p.Ala107fs; shifts the reading frame from alanine 107.
Molecular consequence: frameshift variant.
Genome position (GRCh38, 1-based): chr13:48,342,654-48,342,670, CAGTTGACCTAGATGAG deleted; deleting any 17 consecutive bases within chr13:48,342,652-48,342,670 gives the same sequence; the c. name uses the placement nearest the transcript's 3' end. VCF-style (leftmost placement, unchanged base first): chr13-48342651-CAGCAGTTGACCTAGATG-C. GRCh37 (hg19) VCF-style: chr13-48916787-CAGCAGTTGACCTAGATG-C.
Other names: c.320_336del, p.Ala107fs (NM_001407165.1, NM_001407166.1); short protein forms A107fs.
Identifiers: ClinVar variation 4072292 (VCV004072292.1).

ClinVar aggregate classification (germline): Likely pathogenic (1 of 4 stars; one submission).

Conditions:
Retinoblastoma (RB1). Also called: RETINOBLASTOMA, SOMATIC. Identifiers: Orphanet 790, MedGen C0035335, MeSH D012175, MONDO:0008380, OMIM 180200, HP:0009919. Disease mechanism: loss of function. Inheritance: Both sporadic and heritable forms are tested..

Submission:

3billion
Classification: Likely pathogenic for Retinoblastoma. Last evaluated: 2024-06-03. Review status: criteria provided, single submitter. Criteria: ACMG Guidelines, 2015. Collection method: clinical testing. Allele origin: germline. Affected: yes.
Comment: The variant is not observed in the gnomAD v4.0.0 dataset. Predicted Consequence/Location: Frameshift: predicted to result in a loss or disruption of normal protein function through nonsense-mediated decay (NMD) or protein truncation. Multiple pathogenic variants are reported downstream of the variant. Therefore, this variant is classified as Likely pathogenic according to the recommendation of ACMG/AMP guideline.